The following is an entry in ClinVar:

ClinVar aggregate classification (germline): Uncertain significance. Review status: criteria provided, multiple submitters, no conflicts (2 of 4 stars). 2 submissions from 2 submitters: Uncertain significance (2). Last evaluated 2025-03-18.

Conditions:
Inborn genetic diseases. Identifiers: MedGen C0950123, MeSH D030342.
Immunodeficiency, common variable, 7. Identifiers: Orphanet 1572, Orphanet 696894, MedGen C3542922, MONDO:0013862, OMIM 614699.

Allele frequency attached by ClinVar (database versions not stated): TOPMed 0.00001; gnomAD exomes 0.00005 and 0.00011; ExAC 0.00019; gnomAD 0.00001.
gnomAD v4.1: 27 of 1,583,428 alleles (0.0017%); highest among the groups gnomAD compares: Admixed American, 0.044%; no homozygotes.

Submissions (2):

Labcorp Genetics (formerly Invitae), Labcorp
Classification: Uncertain significance for Immunodeficiency, common variable, 7. Last evaluated: 2025-03-18. Review status: criteria provided, single submitter. Criteria: Invitae Variant Classification Sherloc (09022015). Collection method: clinical testing. Allele origin: germline.
Comment: This sequence change replaces leucine, which is neutral and non-polar, with serine, which is neutral and polar, at codon 11 of the CR2 protein (p.Leu11Ser). This variant is present in population databases (rs748860952, gnomAD 0.07%). This variant has not been reported in the literature in individuals affected with CR2-related conditions. ClinVar contains an entry for this variant (Variation ID: 1418007). An algorithm developed to predict the effect of missense changes on protein structure and function (PolyPhen-2) suggests that this variant is likely to be disruptive. In summary, the available evidence is currently insufficient to determine the role of this variant in disease. Therefore, it has been classified as a Variant of Uncertain Significance.

Ambry Genetics
Classification: Uncertain significance for Inborn genetic diseases. Last evaluated: 2024-10-12. Review status: criteria provided, single submitter. Criteria: Ambry Variant Classification Scheme 2023. Collection method: clinical testing. Allele origin: germline.

NM_001006658.3(CR2):c.32T>C (p.Leu11Ser)

Gene: CR2 (complement C3d receptor 2; plus strand). Cytogenetic location: 1q32.2.
Variant type: single nucleotide variant.
Coding change: c.32T>C on transcript NM_001006658.3 (MANE Select); coding-DNA position 32, T replaced by C.
Protein change: p.Leu11Ser; replaces leucine 11 with serine.
Molecular consequence: missense variant.
Genome position (GRCh38, 1-based): chr1:207,454,450, T>C. VCF-style: chr1-207454450-T-C. GRCh37 (hg19) VCF-style: chr1-207627795-T-C.
Other names: c.32T>C (NM_001006658.2); c.32T>C, p.Leu11Ser (NM_001877.5); short protein forms L11S.
Identifiers: ClinVar variation 1418007 (VCV001418007.8), dbSNP rs748860952, ClinGen allele CA1368333.